The following is an entry in ClinVar:

NM_032217.5(ANKRD17):c.3337G>C (p.Asp1113His)

Gene: ANKRD17 (ankyrin repeat domain 17; minus strand). Cytogenetic location: 4q13.3.
Variant type: single nucleotide variant.
Coding change: c.3337G>C on transcript NM_032217.5 (MANE Select); coding-DNA position 3337, G replaced by C.
Protein change: p.Asp1113His; replaces aspartic acid 1113 with histidine.
Molecular consequence: missense variant.
Genome position (GRCh38, 1-based): chr4:73,125,210, C>G on the plus strand (G>C on the coding strand, the complement: ANKRD17 is on the minus strand). VCF-style: chr4-73125210-C-G. GRCh37 (hg19) VCF-style: chr4-73990927-C-G.
Other names: c.2998G>C, p.Asp1000His (NM_001286771.3); c.3334G>C, p.Asp1112His (NM_015574.2); c.2584G>C, p.Asp862His (NM_198889.3); short protein forms D1000H, D1112H, D1113H, D862H.
Identifiers: ClinVar variation 3367812 (VCV003367812.1).
Genomic context (GRCh38, chr4:73,125,210, plus strand): 5'-AATAAATTTTTTGACCAGTATTCCAAAAAATAAAACAAAAGTAGGCCCTACCTTTCTTGT[C>G]TCGGTGCTCTATACTAGCTCCTCTCTCTAGCAGTGTTTGTACCAGTTCCTCGTGGCCACC-3'
Protein context (NP_115593.3, residues 1103-1123): LERGASIEHR[Asp1113His]KKGFTPLILA

ClinVar aggregate classification (germline): Uncertain significance (1 of 4 stars; one submission).

Submission:

GeneDx
Classification: Uncertain significance. Last evaluated: 2024-01-19. Review status: criteria provided, single submitter. Criteria: GeneDx Variant Classification Process June 2021. Collection method: clinical testing. Allele origin: germline. Affected: yes.
Comment: Not observed at significant frequency in large population cohorts (gnomAD); In silico analysis supports that this missense variant has a deleterious effect on protein structure/function; Has not been previously published as pathogenic or benign to our knowledge